The following is an entry in ClinVar:

NM_014284.3(NCDN):c.270C>A (p.Thr90=)

Gene: NCDN (neurochondrin; plus strand). Cytogenetic location: 1p34.3.
Variant type: single nucleotide variant.
Coding change: c.270C>A on transcript NM_014284.3 (MANE Select); coding-DNA position 270, C replaced by A.
Protein change: p.Thr90=; no amino-acid change (threonine 90 retained).
Molecular consequence: synonymous variant.
Genome position (GRCh38, 1-based): chr1:35,560,421, C>A. VCF-style: chr1-35560421-C-A. GRCh37 (hg19) VCF-style: chr1-36026022-C-A.
Other names: c.270C>A, p.Thr90= (NM_001014839.2); c.219C>A, p.Thr73= (NM_001014841.2).
Identifiers: ClinVar variation 2638646 (VCV002638646.24), dbSNP rs759198066, ClinGen allele CA760087.
Genomic context (GRCh38, chr1:35,560,421, plus strand): 5'-CAAAACTCGGCGGCGGATCTTCGATGCTGTCGGCTTCACCTTCCCCAATCGTCTCCTGAC[C>A]ACCAAGGAGGCGCCGGATGGCTGCCCTGACCATGTTCTGCGGGCTTTGGGTGTGGCCCTG-3'
Protein context (NP_055099.1, residues 80-100): VGFTFPNRLL[Thr90=]TKEAPDGCPD

ClinVar aggregate classification (germline): Likely benign (1 of 4 stars; one submission).

Allele frequency attached by ClinVar (database versions not stated): ExAC 0.00001; gnomAD 0.00001; gnomAD exomes 0.00001; TOPMed 0.00001.
gnomAD v4.1: 13 of 1,613,906 alleles (0.00081%); highest among the groups gnomAD compares: East Asian, 0.0022%; no homozygotes.

Submission:

CeGaT Center for Human Genetics Tuebingen
Classification: Likely benign. Last evaluated: 2023-01-01. Review status: criteria provided, single submitter. Criteria: CeGaT Center For Human Genetics Tuebingen Variant Classification Criteria Version 2. Collection method: clinical testing. Allele origin: germline. Affected: yes. Observed: 1 variant allele.
Comment: NCDN: BP4, BP7